The following is an entry in ClinVar:

NM_001354712.2(THRB):c.*2976G>A

Gene: THRB (thyroid hormone receptor beta; minus strand). Cytogenetic location: 3p24.2.
Variant type: single nucleotide variant.
Coding change: c.*2976G>A on transcript NM_001354712.2 (MANE Select); 2976 bases downstream of the stop codon, G replaced by A.
Molecular consequence: 3 prime UTR variant.
Genome position (GRCh38, 1-based): chr3:24,119,908, C>T on the plus strand (G>A on the coding strand, the complement: THRB is on the minus strand). VCF-style: chr3-24119908-C-T. GRCh37 (hg19) VCF-style: chr3-24161399-C-T.
Other names: c.*2976G>A (NM_000461.5, NM_001128176.3, NM_001128177.2 and 14 more transcripts).
Identifiers: ClinVar variation 901133 (VCV000901133.4), dbSNP rs536523113, ClinGen allele CA71602743.

ClinVar aggregate classification (germline): Benign (1 of 4 stars; one submission).

Conditions:
Thyroid hormone resistance, generalized, autosomal dominant (GRTHD). Also called: HYPERTHYROXINEMIA, FAMILIAL EUTHYROID, SECONDARY TO PITUITARY AND PERIPHERAL RESISTANCE TO THYROID HORMONES. Identifiers: MedGen C2937288, MONDO:0008569, OMIM 188570.

Allele frequency attached by ClinVar (database versions not stated): gnomAD 0.00001 and 0.00003; TOPMed 0.00002; 1000 Genomes Project 0.00040; 1000 Genomes Project 30x 0.00047.

Submission:

Illumina Laboratory Services, Illumina
Classification: Benign for Thyroid hormone resistance, generalized, autosomal dominant. Last evaluated: 2018-01-12. Review status: criteria provided, single submitter. Criteria: ICSL Variant Classification Criteria 13 December 2019. Collection method: clinical testing. Allele origin: germline.
Comment: This variant was observed in the ICSL laboratory as part of a predisposition screen in an ostensibly healthy population. It had not been previously curated by ICSL or reported in the Human Gene Mutation Database (HGMD: prior to June 1st, 2018), and was therefore a candidate for classification through an automated scoring system. Utilizing variant allele frequency, disease prevalence and penetrance estimates, and inheritance mode, an automated score was calculated to assess if this variant is too frequent to cause the disease. Based on the score and internal cut-off values, a variant classified as benign is not then subjected to further curation. The score for this variant resulted in a classification of benign for this disease.